The following is an entry in ClinVar:

NM_001034853.2(RPGR):c.806G>A (p.Gly269Glu)

Gene: RPGR (retinitis pigmentosa GTPase regulator; minus strand). Cytogenetic location: Xp11.4.
Variant type: single nucleotide variant.
Coding change: c.806G>A on transcript NM_001034853.2 (MANE Select); coding-DNA position 806, G replaced by A.
Protein change: p.Gly269Glu; replaces glycine 269 with glutamic acid.
Molecular consequence: missense variant. On other transcripts: non-coding transcript variant (5).
Genome position (GRCh38, 1-based): chrX:38,304,763, C>T on the plus strand (G>A on the coding strand, the complement: RPGR is on the minus strand). VCF-style: chrX-38304763-C-T. GRCh37 (hg19) VCF-style: chrX-38164016-C-T.
Other names: NM_001034853.2(RPGR):c.806G>A; c.806G>A, p.Gly269Glu (NM_000328.3, NM_001367246.1, NM_001367247.1 and 1 more transcripts); c.803G>A, p.Gly268Glu (NM_001367245.1, NM_001367249.1, NM_001367250.1); c.836G>A, p.Gly279Glu (NM_001367248.1); short protein forms G269E, G279E, G268E.
Identifiers: ClinVar variation 92858 (VCV000092858.10), dbSNP rs398123336, ClinGen allele CA220676.
Genomic context (GRCh38, chrX:38,304,763, plus strand): 5'-ATGACTTTGGGTTCTGAAGTTTCAAAAAGAAAAGTGCCAAGACCCAGCTGACCAAATTGT[C>T]CCAGCCCAAAGGTATACACAGCATTCTCTGAAAGGAAAGGGGCAAATACAAGACAAGGAT-3'
Protein context (NP_001030025.1, residues 259-279): TENAVYTFGL[Gly269Glu]QFGQLGLGTF

ClinVar aggregate classification (germline): Uncertain significance. Review status: reviewed by expert panel (3 of 4 stars). 4 submissions from 4 submitters: Uncertain significance (1). 3 of the submissions do not count toward it. Last evaluated 2025-05-20.

Conditions:
RPGR-related retinopathy. Also called: RPGR retinopathy. Identifiers: MedGen CN305589, MONDO:0100437.
Primary ciliary dyskinesia. Also called: Ciliary dyskinesia. Identifiers: Orphanet 244, MedGen C0008780, MONDO:0016575, HP:0012265.
Retinitis pigmentosa 3. Also called: CHOROIDORETINAL DEGENERATION WITH RETINAL REFLEX IN HETEROZYGOUS WOMEN. Identifiers: Orphanet 791, MedGen C1845667, MONDO:0010227, OMIM 300029.

Submissions (4):

ClinGen X-linked Inherited Retinal Disease Variant Curation Expert Panel, ClinGen
Classification: Uncertain significance for RPGR-related retinopathy. Last evaluated: 2025-05-20. Review status: reviewed by expert panel. Criteria: ClinGen X LinkedIRD ACMG Specifications RPGR V1.0.0. Collection method: curation. Allele origin: germline. Inheritance: X-linked inheritance.
Comment: NM_001034853.2(RPGR):c.806G>A (p.Gly269Glu) is a missense variant encoding the substitution of glycine with glutamate at amino acid 269. This variant is absent from hemizygous individuals in gnomAD v4.1.0 (PM2_Supporting). The computational predictor REVEL gives a score of 0.851, which is between the ClinGen X-linked IRD VCEP thresholds of 0.773 to 0.931 and predicts a damaging effect on RPGR function (PP3_moderate). The computational splicing predictor SpliceAI gives a delta score of 0.02 for donor gain, which is below the ClinGen X-linked IRD VCEP threshold of >0.2 and does not predict that the variant disrupts RPGR splicing. This variant has been reported in at least 2 apparently unrelated probands meeting one of the PS4 requirements of a male with some functional vision impairment by age 30 and/or decreased or absent ERG responses, or a female with functional visual abnormality and documentation of a male relative affected with retinitis pigmentosa (PMID: 32702353, 28559085, PS4_supporting). This variant has been identified as a de novo occurrence with confirmed parental relationships in 1 proband meeting the PS2 requirement of some functional vision impairment in affected males by age 30, with decreased or absent cone and/or rod ERG responses (PS2_Supporting, PMID: 28559085). In summary, this variant meets the criteria to be classified as a variant of uncertain significance for RPGR-related retinopathy based on the ClinGen X-linked Inherited Retinal Disease Expert Panel Specifications to the ACMG/AMP Variant Interpretation Guidelines for RPGR Version 1.0.0; PM2_supporting, PS2_supporting, PP3_moderate, and PS4_supporting. (date of approval 05/16/2025).

3billion
Classification: Pathogenic for Retinitis pigmentosa 3. Last evaluated: 2024-03-19. Review status: criteria provided, single submitter. Criteria: ACMG Guidelines, 2015. Collection method: clinical testing. Allele origin: germline. Affected: yes. Not counted in ClinVar's aggregate classification.
Comment: The variant is not observed in the gnomAD v2.1.1 dataset. Predicted Consequence/Location: The variant is located in a mutational hot spot and/or well-established functional domain in which established pathogenic variants have been reported. The majority of the known disease-causing variants of this gene are variants expected to result in premature termination of the protein. In silico tool predictions suggest damaging effect of the variant on gene or gene product [REVEL: 0.85 (>=0.6, sensitivity 0.68 and specificity 0.92); 3Cnet: 0.94 (>=0.6, sensitivity 0.72 and precision 0.9)]. Same nucleotide change resulting in same amino acid change has been previously reported as pathogenic/likely pathogenic with strong evidence (ClinVar ID: VCV000092858). The variant has been observed in at least two similarly affected unrelated individuals (PMID: 28559085, 32702353). The variant has been previously reported as assumed (i.e. paternity and maternity not confirmed) de novo in at least one similarly affected unrelated individual (PMID: 28559085). Therefore, this variant is classified as Pathogenic according to the recommendation of ACMG/AMP guideline.

Labcorp Genetics (formerly Invitae), Labcorp
Classification: Pathogenic for Primary ciliary dyskinesia. Last evaluated: 2022-12-31. Review status: criteria provided, single submitter. Criteria: Invitae Variant Classification Sherloc (09022015). Collection method: clinical testing. Allele origin: germline. Not counted in ClinVar's aggregate classification.
Comment: For these reasons, this variant has been classified as Pathogenic. Advanced modeling of protein sequence and biophysical properties (such as structural, functional, and spatial information, amino acid conservation, physicochemical variation, residue mobility, and thermodynamic stability) performed at Invitae indicates that this missense variant is expected to disrupt RPGR protein function. ClinVar contains an entry for this variant (Variation ID: 92858). This missense change has been observed in individual(s) with retinitis pigmentosa (PMID: 28559085, 32702353; Invitae). In at least one individual the variant was observed to be de novo. This variant is not present in population databases (gnomAD no frequency). This sequence change replaces glycine, which is neutral and non-polar, with glutamic acid, which is acidic and polar, at codon 269 of the RPGR protein (p.Gly269Glu).

Eurofins Ntd Llc (ga)
Classification: Likely pathogenic. Last evaluated: 2014-02-11. Review status: criteria provided, single submitter. Criteria: EGL Classification Definitions. Collection method: clinical testing. Allele origin: germline. Observed: 1 variant allele, 1 hemizygote. Not counted in ClinVar's aggregate classification.

Literature cited by the submitters: PubMed 28559085 (cited by 3billion and Labcorp Genetics (formerly Invitae), Labcorp); PubMed 32702353 (cited by 3billion and Labcorp Genetics (formerly Invitae), Labcorp).